The following is an entry in ClinVar:

ClinVar aggregate classification (germline): Likely benign (3 of 4 stars; one submission).

Conditions:
Breast-ovarian cancer, familial, susceptibility to, 2 (BROVCA2). Also called: BRCA2 Hereditary Breast and Ovarian Cancer. Identifiers: Orphanet 145, MedGen C2675520, MONDO:0012933, OMIM 612555. Disease mechanism: loss of function.

Submission:

Evidence-based Network for the Interpretation of Germline Mutant Alleles (ENIGMA)
Classification: Likely benign for Breast-ovarian cancer, familial, susceptibility to, 2. Last evaluated: 2017-06-29. Review status: reviewed by expert panel. Criteria: ENIGMA BRCA1/2 Classification Criteria (2017-06-29). Collection method: curation. Allele origin: germline.
Comment: Synonymous substitution variant, with low bioinformatic likelihood to result in a splicing aberration (Splicing prior probability 0.02).

NM_000059.4(BRCA2):c.1665A>C (p.Pro555=)

Gene: BRCA2 (BRCA2 DNA repair associated; plus strand). Cytogenetic location: 13q13.1.
Variant type: single nucleotide variant.
Coding change: c.1665A>C on transcript NM_000059.4 (MANE Select); coding-DNA position 1665, A replaced by C.
Protein change: p.Pro555=; no amino-acid change (proline 555 retained).
Molecular consequence: synonymous variant.
Genome position (GRCh38, 1-based): chr13:32,333,143, A>C. VCF-style: chr13-32333143-A-C. GRCh37 (hg19) VCF-style: chr13-32907280-A-C.
Identifiers: ClinVar variation 427404 (VCV000427404.3), dbSNP rs1131692127, ClinGen allele CA483436555.
Genomic context (GRCh38, chr13:32,333,143, plus strand): 5'-CTCTGAAAGTGGACTGGAAATACATACTGTTTGCTCACAGAAGGAGGACTCCTTATGTCC[A>C]AATTTAATTGATAATGGAAGCTGGCCAGCCACCACCACACAGAATTCTGTAGCTTTGAAG-3'
Protein context (NP_000050.3, residues 545-565): VCSQKEDSLC[Pro555=]NLIDNGSWPA